The following is an entry in ClinVar:

NM_004415.4(DSP):c.1691C>T (p.Thr564Ile)

Gene: DSP (desmoplakin; plus strand). Cytogenetic location: 6p24.3.
Variant type: single nucleotide variant.
Coding change: c.1691C>T on transcript NM_004415.4 (MANE Select); coding-DNA position 1691, C replaced by T.
Protein change: p.Thr564Ile; replaces threonine 564 with isoleucine.
Molecular consequence: missense variant.
Genome position (GRCh38, 1-based): chr6:7,570,553, C>T. VCF-style: chr6-7570553-C-T. GRCh37 (hg19) VCF-style: chr6-7570786-C-T.
Other names: c.1691C>T, p.Thr564Ile (NM_001008844.3, NM_001319034.2); c.1691C>T (LRG_423t1); short protein forms T564I.
Identifiers: ClinVar variation 157673 (VCV000157673.7), dbSNP rs606231295, ClinGen allele CA005088.

ClinVar aggregate classification (germline): Pathogenic. Review status: criteria provided, multiple submitters, no conflicts (2 of 4 stars). 3 submissions from 3 submitters: Pathogenic (2). 1 of the submissions does not count toward it. Last evaluated 2025-04-21.

Conditions:
Arrhythmogenic cardiomyopathy with wooly hair and keratoderma. Also called: Dilated cardiomyopathy with woolly hair and keratoderma; PALMOPLANTAR KERATODERMA WITH LEFT VENTRICULAR CARDIOMYOPATHY AND WOOLLY HAIR; Carvajal syndrome; Arrhythmogenic cardiomyopathy with woolly hair and keratoderma. Identifiers: Orphanet 65282, MedGen C1854063, MONDO:0011581, OMIM 605676.
Arrhythmogenic right ventricular dysplasia 8 (ARVD8). Also called: ARRHYTHMOGENIC RIGHT VENTRICULAR DYSPLASIA, FAMILIAL, 8; ARRHYTHMOGENIC RIGHT VENTRICULAR CARDIOMYOPATHY 8; Arrhythmogenic Right Ventricular Dysplasia/Cardiomyopathy 8. Identifiers: MedGen C1843896, MONDO:0011831, OMIM 607450.
Cardiomyopathy, dilated, with wooly hair, keratoderma, and tooth agenesis. Also called: Erythrokeratodermia-cardiomyopathy syndrome; Cardiomyopathy, dilated, with woolly hair, keratoderma, and tooth agenesis. Identifiers: Orphanet 476096, Orphanet 65282, MedGen C4014393, MONDO:0014355, OMIM 615821.

Submissions (3):

Labcorp Genetics (formerly Invitae), Labcorp
Classification: Pathogenic for Arrhythmogenic cardiomyopathy with wooly hair and keratoderma; Arrhythmogenic right ventricular dysplasia 8. Last evaluated: 2025-04-21. Review status: criteria provided, single submitter. Criteria: Invitae Variant Classification Sherloc (09022015). Collection method: clinical testing. Allele origin: germline.
Comment: This sequence change replaces threonine, which is neutral and polar, with isoleucine, which is neutral and non-polar, at codon 564 of the DSP protein (p.Thr564Ile). This variant is not present in population databases (gnomAD no frequency). This missense change has been observed in individual(s) with arrhythmogenic right ventricular cardiomyopathy and/or autosomal dominant dilated cardiomyopathy (DCM) with woolly hair, keratoderma and tooth agenesis (PMID: 22795705, 22949226, 33460606, 34766015). In at least one individual the variant was observed to be de novo. It has also been observed to segregate with disease in related individuals. ClinVar contains an entry for this variant (Variation ID: 157673). An algorithm developed to predict the effect of missense changes on protein structure and function (PolyPhen-2) suggests that this variant is likely to be disruptive. For these reasons, this variant has been classified as Pathogenic.

Institute of Human Genetics Munich, TUM University Hospital
Classification: Pathogenic for Arrhythmogenic cardiomyopathy with wooly hair and keratoderma. Last evaluated: 2019-06-11. Review status: criteria provided, single submitter. Criteria: Classification criteria August 2017. Collection method: clinical testing. Allele origin: de novo. Inheritance: Autosomal recessive inheritance. Affected: yes. Observed: 1 heterozygote.

OMIM
Classification: Pathogenic for CARDIOMYOPATHY, DILATED, WITH WOOLLY HAIR, KERATODERMA, AND TOOTH AGENESIS. Last evaluated: 2012-11-01. Review status: no assertion criteria provided. Collection method: literature only. Allele origin: germline. Not counted in ClinVar's aggregate classification.

Literature cited by the submitters: PubMed 22795705 (cited by Labcorp Genetics (formerly Invitae), Labcorp and OMIM); PubMed 22949226 (cited by Labcorp Genetics (formerly Invitae), Labcorp); PubMed 33460606 (cited by Labcorp Genetics (formerly Invitae), Labcorp); PubMed 34766015 (cited by Labcorp Genetics (formerly Invitae), Labcorp).